The following is an entry in ClinVar:

ClinVar aggregate classification (germline): Uncertain significance (1 of 4 stars; one submission).

gnomAD v4.1: 15 of 1,614,006 alleles (0.00093%); highest among the groups gnomAD compares: Admixed American, 0.005%; no homozygotes.

Submission:

Labcorp Genetics (formerly Invitae), Labcorp
Classification: Uncertain significance. Last evaluated: 2024-05-29. Review status: criteria provided, single submitter. Criteria: Invitae Variant Classification Sherloc (09022015). Collection method: clinical testing. Allele origin: germline.
Comment: This sequence change falls in intron 8 of the ARHGEF10 gene. It does not directly change the encoded amino acid sequence of the ARHGEF10 protein. It affects a nucleotide within the consensus splice site. This variant is present in population databases (rs779596342, gnomAD 0.006%). This variant has not been reported in the literature in individuals affected with ARHGEF10-related conditions. Variants that disrupt the consensus splice site are a relatively common cause of aberrant splicing (PMID: 17576681, 9536098). Algorithms developed to predict the effect of sequence changes on RNA splicing suggest that this variant may disrupt the consensus splice site. In summary, the available evidence is currently insufficient to determine the role of this variant in disease. Therefore, it has been classified as a Variant of Uncertain Significance.

Literature cited by the submitters: PubMed 17576681; PubMed 9536098.

NM_014629.4(ARHGEF10):c.843+5G>A

Gene: ARHGEF10 (Rho guanine nucleotide exchange factor 10; plus strand). Cytogenetic location: 8p23.3.
Variant type: single nucleotide variant.
Coding change: c.843+5G>A on transcript NM_014629.4 (MANE Select); 5 bases into the intron after coding-DNA position 843, G replaced by A.
Molecular consequence: intron variant.
Genome position (GRCh38, 1-based): chr8:1,876,739, G>A. VCF-style: chr8-1876739-G-A. GRCh37 (hg19) VCF-style: chr8-1824905-G-A.
Other names: c.846+5G>A (NM_001438092.1, NM_001438091.1, NM_001308152.2 and 2 more transcripts); c.843+5G>A (NM_001438093.1).
Identifiers: ClinVar variation 3623678 (VCV003623678.2).